The following is an entry in ClinVar:

ClinVar aggregate classification (germline): Pathogenic (1 of 4 stars; one submission).

Conditions:
Familial cancer of breast. Also called: Hereditary breast cancer; BREAST CANCER, FAMILIAL; hereditary breast carcinoma. Identifiers: Orphanet 227535, MedGen C0346153, MONDO:0016419, OMIM 114480. Disease mechanism: loss of function.

Submission:

Myriad Genetics, Inc.
Classification: Pathogenic for Familial cancer of breast. Last evaluated: 2023-06-06. Review status: criteria provided, single submitter. Criteria: Myriad Autosomal Dominant, Autosomal Recessive and X-Linked Classification Criteria (2023). Collection method: clinical testing. Allele origin: unknown.
Comment: This variant is considered pathogenic. This variant creates a frameshift predicted to result in premature protein truncation.

NM_032043.3(BRIP1):c.2334_2337dup (p.Ile780fs)

Gene: BRIP1 (BRCA1 interacting DNA helicase 1; minus strand). Cytogenetic location: 17q23.2.
Variant type: Duplication.
Coding change: c.2334_2337dup on transcript NM_032043.3 (MANE Select); coding-DNA positions 2334 to 2337, 4 bases duplicated (TGTC; older notation c.2334_2337dupTGTC).
Protein change: p.Ile780fs; shifts the reading frame from isoleucine 780.
Molecular consequence: frameshift variant.
Genome position (GRCh38, 1-based): chr17:61,743,055-61,743,058, GACA duplicated on the plus strand (TGTC on the coding strand, the reverse complement: BRIP1 is on the minus strand); duplicating any 4 consecutive bases within chr17:61,743,055-61,743,059 gives the same sequence; the c. name uses the placement nearest the transcript's 3' end. VCF-style (leftmost placement, unchanged base first): chr17-61743054-T-TGACA. GRCh37 (hg19) VCF-style: chr17-59820415-T-TGACA.
Other names: short protein forms I780fs.
Identifiers: ClinVar variation 2583749 (VCV002583749.2), dbSNP rs2544826413, ClinGen allele CA2582342208.